The following is an entry in ClinVar:

NM_000059.4(BRCA2):c.3661T>C (p.Ser1221Pro)

Gene: BRCA2 (BRCA2 DNA repair associated; plus strand). Cytogenetic location: 13q13.1.
Variant type: single nucleotide variant.
Coding change: c.3661T>C on transcript NM_000059.4 (MANE Select); coding-DNA position 3661, T replaced by C.
Protein change: p.Ser1221Pro; replaces serine 1221 with proline.
Molecular consequence: missense variant.
Genome position (GRCh38, 1-based): chr13:32,338,016, T>C. VCF-style: chr13-32338016-T-C. GRCh37 (hg19) VCF-style: chr13-32912153-T-C.
Other names: p.S1221P:TCT>CCT; 3889T>C; short protein forms S1221P.
Identifiers: ClinVar variation 51501 (VCV000051501.41), dbSNP rs80358611, ClinGen allele CA018488.

ClinVar aggregate classification (germline): Conflicting classifications of pathogenicity. Review status: criteria provided, conflicting classifications (1 of 4 stars). 14 submissions from 14 submitters: Uncertain significance (8); Likely benign (3). 3 of the submissions do not count toward it. Last evaluated 2025-08-30.

Conditions:
Breast and/or ovarian cancer. Identifiers: MedGen CN221562.
Hereditary cancer-predisposing syndrome. Also called: Neoplastic Syndromes, Hereditary; Tumor predisposition; Hereditary Cancer Syndrome; Hereditary neoplastic syndrome. Identifiers: Orphanet 140162, MedGen C0027672, MeSH D009386, MONDO:0015356.
Hereditary breast ovarian cancer syndrome. Also called: Breast and ovarian cancer; BRCA1- and BRCA2-Associated Hereditary Breast and Ovarian Cancer; Hereditary breast and ovarian cancer syndrome; Hereditary breast and/or ovarian cancer syndrome; Hereditary breast and ovarian cancer syndrome (HBOC); Hereditary breast and ovarian cancer. Identifiers: Orphanet 145, MedGen C0677776, MeSH D061325, MONDO:0003582. Disease mechanism: loss of function.
Breast-ovarian cancer, familial, susceptibility to, 2 (BROVCA2). Also called: BRCA2 Hereditary Breast and Ovarian Cancer. Identifiers: Orphanet 145, MedGen C2675520, MONDO:0012933, OMIM 612555. Disease mechanism: loss of function.

Allele frequency attached by ClinVar (database versions not stated): ExAC 0.00001; gnomAD exomes 0.00001; TOPMed 0.00001.
gnomAD v4.1: 20 of 1,612,942 alleles (0.0012%); highest among the groups gnomAD compares: Non-Finnish European, 0.0017%; no homozygotes.

Submissions (14):

Labcorp Genetics (formerly Invitae), Labcorp
Classification: Likely benign for Hereditary breast ovarian cancer syndrome. Last evaluated: 2025-08-30. Review status: criteria provided, single submitter. Criteria: Invitae Variant Classification Sherloc (09022015). Collection method: clinical testing. Allele origin: germline.

Women's Health and Genetics/Laboratory Corporation of America, LabCorp
Classification: Uncertain significance. Last evaluated: 2025-08-28. Review status: criteria provided, single submitter. Criteria: LabCorp Variant Classification Summary - May 2015. Collection method: clinical testing. Allele origin: germline.
Comment: Variant summary: BRCA2 c.3661T>C (p.Ser1221Pro) results in a non-conservative amino acid change located in the 2nd BRCA2 repeat (IPR002093) of the encoded protein sequence. Algorithms developed to predict the effect of missense changes on protein structure and function all suggest that this variant is likely to be disruptive. The variant allele was found at a frequency of 1.2e-05 in 250308 control chromosomes (gnomAD). The available data on variant occurrences in the general population are insufficient to allow any conclusion about variant significance. To our knowledge, no occurrence of c.3661T>C in individuals affected with Hereditary Breast and Ovarian Cancer has been reported. A co-occurrence with another pathogenic variant has been described (BRCA2 c.7007G>A, p.Arg2336His; in the UMD BRCA2 database), however no additional clinical information was provided. Publications report experimental evidence evaluating an impact on protein function, however, do not allow convincing conclusions about the variant effect (Tal_2009, Jimenez-Sainz_2022). The following publications have been ascertained in the context of this evaluation (PMID: 19747923, 33471991, 36098506). ClinVar contains an entry for this variant (Variation ID: 51501). Based on the evidence outlined above, the variant was classified as uncertain significance.

Quest Diagnostics Nichols Institute San Juan Capistrano
Classification: Uncertain significance. Last evaluated: 2025-06-23. Review status: criteria provided, single submitter. Criteria: Quest Diagnostics criteria. Collection method: clinical testing. Allele origin: unknown.
Comment: The BRCA2 c.3661T>C (p.Ser1221Pro) variant has been reported in an individual with breast cancer (PMID: 34326862 (2021)). This variant has also been identified in a reportedly unaffected individual (PMID: 33471991 (2021), see also LOVD). Experimental studies demonstrate this variant is damaging to protein function (PMIDs: 12967658 (2003) and 36098506 (2022)). The frequency of this variant in the general population (Genome Aggregation Database) is uninformative in the assessment of its pathogenicity. Analysis of this variant using bioinformatics tools for the prediction of the effect of amino acid changes on protein structure and function yielded conflicting predictions that this variant is benign or damaging. Based on the available information, we are unable to determine the clinical significance of this variant.

Color Diagnostics, LLC DBA Color Health
Classification: Likely benign for Hereditary cancer-predisposing syndrome. Last evaluated: 2025-02-10. Review status: criteria provided, single submitter. Criteria: ACMG Guidelines, 2015. Collection method: clinical testing. Allele origin: germline.

Ambry Genetics
Classification: Uncertain significance for Hereditary cancer-predisposing syndrome. Last evaluated: 2024-02-14. Review status: criteria provided, single submitter. Criteria: Ambry Variant Classification Scheme 2023. Collection method: clinical testing. Allele origin: germline.
Comment: The p.S1221P variant (also known as c.3661T>C), located in coding exon 10 of the BRCA2 gene, results from a T to C substitution at nucleotide position 3661. The serine at codon 1221 is replaced by proline, an amino acid with similar properties. This amino acid position is highly conserved in available vertebrate species. In addition, the in silico prediction for this alteration is inconclusive. Based on the available evidence, the clinical significance of this alteration remains unclear.

All of Us Research Program, National Institutes of Health
Classification: Uncertain significance for Breast-ovarian cancer, familial, susceptibility to, 2. Last evaluated: 2024-01-11. Review status: criteria provided, single submitter. Criteria: ACMG Guidelines, 2015. Collection method: clinical testing. Allele origin: germline. Inheritance: Autosomal dominant inheritance. Observed: 6 variant alleles, 6 heterozygotes.
Comment: This missense variant replaces serine with proline at codon 1221 of the BRCA2 protein. Computational prediction is inconclusive regarding the impact of this variant on protein structure and function (internally defined REVEL score threshold 0.5 < inconclusive < 0.7, PMID: 27666373). Functional studies have shown that the variant attenuates the inhibitory activity of BRC2 repeats on RAD51 binding to double-stranded DNA, reduces homology-directed DNA repair activity, and partially rescues BRCA2-deficient cells in response to DNA damaging agents (PMID: 19747923, 36098506). However, the clinical relevance of these observations is not known. This variant has been reported in a breast cancer case-control study in 1/53460 unaffected individuals and absent in 60466 cases (PMID: 33471991; Leiden Open Variation Database DB-ID BRCA2_002594). This variant has been identified in 3/250308 chromosomes in the general population by the Genome Aggregation Database (gnomAD). The available evidence is insufficient to determine the role of this variant in disease conclusively. Therefore, this variant is classified as a Variant of Uncertain Significance.

This study involves interpretation of variants in research participants for the purpose of population health screening. Participant phenotype was not available at the time of variant classification. Additional details can be found in publication PMID: 35346344, PMCID: PMC8962531

Blueprint Genetics
Classification: Uncertain significance. Last evaluated: 2023-09-12. Review status: criteria provided, single submitter. Criteria: ACMG Guidelines, 2015. Collection method: clinical testing. Allele origin: germline.

GeneDx
Classification: Uncertain significance. Last evaluated: 2023-05-30. Review status: criteria provided, single submitter. Criteria: GeneDx Variant Classification Process June 2021. Collection method: clinical testing. Allele origin: germline. Affected: yes.
Comment: Published functional studies suggest a damaging effect: weakened binding to RAD51 and impaired recombinational repair activity (Tal et al., 2009); In silico analysis supports that this missense variant has a deleterious effect on protein structure/function; Not observed at significant frequency in large population cohorts (gnomAD); Also known as 3889T>C; This variant is associated with the following publications: (PMID: 26992456, 17515904, 12442171, 12967658, 17052168, 31131967, 30212499, Jimenez-Sainz2022[casereport], 9002670, 22193408, 19747923)

University of Washington Department of Laboratory Medicine, University of Washington
Classification: Likely benign for Hereditary cancer-predisposing syndrome. Last evaluated: 2023-03-23. Review status: criteria provided, single submitter. Criteria: Dines et al. (Genet Med. 2020). Collection method: curation. Allele origin: germline.
Comment: Missense variant in a coldspot region where missense variants are very unlikely to be pathogenic (PMID:31911673).

BRCA2 exon 11 coldspot. Reclassification based on statistical prior probability.

CHEO Genetics Diagnostic Laboratory, Children's Hospital of Eastern Ontario
Classification: Uncertain significance for Breast and/or ovarian cancer. Last evaluated: 2019-08-21. Review status: criteria provided, single submitter. Criteria: ACMG Guidelines, 2015. Collection method: clinical testing. Allele origin: germline.

ARUP Laboratories, Molecular Genetics and Genomics, ARUP Laboratories
Classification: Uncertain significance. Last evaluated: 2017-02-19. Review status: criteria provided, single submitter. Criteria: ARUP Molecular Germline Variant Investigation Process. Collection method: clinical testing. Allele origin: germline.

Counsyl
Classification: Uncertain significance for Breast-ovarian cancer, familial, susceptibility to, 2. Last evaluated: 2016-07-29. Review status: no assertion criteria provided. Collection method: clinical testing. Allele origin: unknown. Not counted in ClinVar's aggregate classification.

Sharing Clinical Reports Project (SCRP)
Classification: Likely benign for Breast-ovarian cancer, familial 2. Last evaluated: 2012-12-11. Review status: no assertion criteria provided. Collection method: clinical testing. Allele origin: germline. Not counted in ClinVar's aggregate classification.

Breast Cancer Information Core (BIC) (BRCA2)
Classification: Uncertain significance for Breast-ovarian cancer, familial 2. Last evaluated: 2002-05-29. Review status: no assertion criteria provided. Collection method: clinical testing. Allele origin: germline. Affected: yes. Observed: 2 variant alleles. Not counted in ClinVar's aggregate classification.

Literature cited by the submitters: PubMed 19747923 (cited by 4 submitters); PubMed 33471991 (cited by Women's Health and Genetics/Laboratory Corporation of America, LabCorp and All of Us Research Program, National Institutes of Health); PubMed 36098506 (cited by 3 submitters); PubMed 34326862 (cited by Quest Diagnostics Nichols Institute San Juan Capistrano); PubMed 12967658 (cited by Quest Diagnostics Nichols Institute San Juan Capistrano and Counsyl).